The following is an entry in ClinVar:

NM_001080.3(ALDH5A1):c.460C>T (p.His154Tyr)

Gene: ALDH5A1 (aldehyde dehydrogenase 5 family member A1; plus strand). Cytogenetic location: 6p22.3.
Variant type: single nucleotide variant.
Coding change: c.460C>T on transcript NM_001080.3 (MANE Select); coding-DNA position 460, C replaced by T.
Protein change: p.His154Tyr; replaces histidine 154 with tyrosine.
Molecular consequence: missense variant.
Genome position (GRCh38, 1-based): chr6:24,503,284, C>T. VCF-style: chr6-24503284-C-T. GRCh37 (hg19) VCF-style: chr6-24503512-C-T.
Other names: c.460C>T, p.His154Tyr (NM_001368954.1, NM_170740.1); short protein forms H154Y.
Identifiers: ClinVar variation 1439685 (VCV001439685.4), dbSNP rs2127382406, ClinGen allele CA362969434.

ClinVar aggregate classification (germline): Uncertain significance (1 of 4 stars; one submission).

Conditions:
Succinate-semialdehyde dehydrogenase deficiency (SSADHD). Also called: 4-HYDROXYBUTYRIC ACIDURIA; GABA METABOLIC DEFECT; SSADH DEFICIENCY; Succinic Semialdehyde Dehydrogenase Deficiency. Identifiers: Orphanet 22, MedGen C0268631, MONDO:0010083, OMIM 271980.

Submission:

Labcorp Genetics (formerly Invitae), Labcorp
Classification: Uncertain significance for Succinate-semialdehyde dehydrogenase deficiency. Last evaluated: 2022-08-23. Review status: criteria provided, single submitter. Criteria: Invitae Variant Classification Sherloc (09022015). Collection method: clinical testing. Allele origin: germline.
Comment: In summary, the available evidence is currently insufficient to determine the role of this variant in disease. Therefore, it has been classified as a Variant of Uncertain Significance. This sequence change replaces histidine, which is basic and polar, with tyrosine, which is neutral and polar, at codon 154 of the ALDH5A1 protein (p.His154Tyr). This variant is not present in population databases (gnomAD no frequency). This variant has not been reported in the literature in individuals affected with ALDH5A1-related conditions. ClinVar contains an entry for this variant (Variation ID: 1439685). Advanced modeling of protein sequence and biophysical properties (such as structural, functional, and spatial information, amino acid conservation, physicochemical variation, residue mobility, and thermodynamic stability) performed at Invitae indicates that this missense variant is not expected to disrupt ALDH5A1 protein function.